The following is an entry in ClinVar:

ClinVar aggregate classification (germline): Uncertain significance (1 of 4 stars; one submission).

Conditions:
Charcot-Marie-Tooth disease axonal type 2C (HMSN2C). Also called: Charcot-Marie-Tooth Disease Type 2, TRPV4-Related (CMT2C); CHARCOT-MARIE-TOOTH DISEASE, AXONAL, AUTOSOMAL DOMINANT, TYPE 2C; Charcot-Marie-Tooth Neuropathy Type 2C. Identifiers: Orphanet 99937, MedGen C1853710, MONDO:0011633, OMIM 606071.

Submission:

Labcorp Genetics (formerly Invitae), Labcorp
Classification: Uncertain significance for Charcot-Marie-Tooth disease axonal type 2C. Last evaluated: 2018-10-23. Review status: criteria provided, single submitter. Criteria: Invitae Variant Classification Sherloc (09022015). Collection method: clinical testing. Allele origin: germline.
Comment: This sequence change replaces glutamic acid with aspartic acid at codon 278 of the TRPV4 protein (p.Glu278Asp). The glutamic acid residue is moderately conserved and there is a small physicochemical difference between glutamic acid and aspartic acid. This variant is not present in population databases (ExAC no frequency). This variant has not been reported in the literature in individuals with TRPV4-related disease. Algorithms developed to predict the effect of missense changes on protein structure and function (SIFT, PolyPhen-2, Align-GVGD) all suggest that this variant is likely to be tolerated, but these predictions have not been confirmed by published functional studies and their clinical significance is uncertain. This variant disrupts the p.Glu278 amino acid residue in TRPV4. Other variant(s) that disrupt this residue have been observed in affected individuals (PMID: 20577006, 22419508, 22702953), suggesting that it is a clinically significant residue. As a result, variants that disrupt this residue are likely to be causative of disease. In summary, the available evidence is currently insufficient to determine the role of this variant in disease. Therefore, it has been classified as a Variant of Uncertain Significance.

Literature cited by the submitters: PubMed 20577006; PubMed 22419508; PubMed 22702953.

NM_021625.5(TRPV4):c.834G>T (p.Glu278Asp)

Gene: TRPV4 (transient receptor potential cation channel subfamily V member 4; minus strand). Cytogenetic location: 12q24.11.
Variant type: single nucleotide variant.
Coding change: c.834G>T on transcript NM_021625.5 (MANE Select); coding-DNA position 834, G replaced by T.
Protein change: p.Glu278Asp; replaces glutamic acid 278 with aspartic acid.
Molecular consequence: missense variant. On other transcripts: intron variant (2).
Genome position (GRCh38, 1-based): chr12:109,800,637, C>A on the plus strand (G>T on the coding strand, the complement: TRPV4 is on the minus strand). VCF-style: chr12-109800637-C-A. GRCh37 (hg19) VCF-style: chr12-110238442-C-A.
Other names: c.732G>T, p.Glu244Asp (NM_001177431.2); c.834G>T, p.Glu278Asp (NM_147204.3); c.713-1725G>T (NM_001177433.1, NM_001177428.1); short protein forms E244D, E278D.
Identifiers: ClinVar variation 650914 (VCV000650914.8), dbSNP rs529115496, ClinGen allele CA386655265.
Genomic context (GRCh38, chr12:109,800,637, plus strand): 5'-TTCTCCAGCATGCTGTCAGCCCCCACCAGGCCCCTCCTTACCAAAGTAGAAGTAGCCCCC[C>A]TCATCCTTGGGCTGGAAGAAGCGCCCACGGGCCTGGGCGTGGACATCAGCTCCCTGGGCC-3'
Protein context (NP_067638.3, residues 268-288): ARGRFFQPKD[Glu278Asp]GGYFYFGELP